The following is an entry in ClinVar:

ClinVar aggregate classification (germline): Uncertain significance (1 of 4 stars; one submission).

Submission:

Labcorp Genetics (formerly Invitae), Labcorp
Classification: Uncertain significance. Last evaluated: 2025-12-18. Review status: criteria provided, single submitter. Criteria: Invitae Variant Classification Sherloc (09022015). Collection method: clinical testing. Allele origin: germline.
Comment: This sequence change replaces leucine, which is neutral and non-polar, with valine, which is neutral and non-polar, at codon 1416 of the TCF20 protein (p.Leu1416Val). This variant is not present in population databases (gnomAD no frequency). This variant has not been reported in the literature in individuals affected with TCF20-related conditions. An algorithm developed to predict the effect of missense changes on protein structure and function (PolyPhen-2) suggests that this variant is likely to be tolerated. In summary, the available evidence is currently insufficient to determine the role of this variant in disease. Therefore, it has been classified as a Variant of Uncertain Significance.

NM_001378418.1(TCF20):c.4246C>G (p.Leu1416Val)

Gene: TCF20 (transcription factor 20; minus strand). Cytogenetic location: 22q13.2.
Variant type: single nucleotide variant.
Coding change: c.4246C>G on transcript NM_001378418.1 (MANE Select); coding-DNA position 4246, C replaced by G.
Protein change: p.Leu1416Val; replaces leucine 1416 with valine.
Molecular consequence: missense variant.
Genome position (GRCh38, 1-based): chr22:42,211,060, G>C on the plus strand (C>G on the coding strand, the complement: TCF20 is on the minus strand). VCF-style: chr22-42211060-G-C. GRCh37 (hg19) VCF-style: chr22-42607066-G-C.
Other names: c.4246C>G, p.Leu1416Val (NM_005650.4, NM_181492.3); short protein forms L1416V.
Identifiers: ClinVar variation 4810950 (VCV004810950.1).
Genomic context (GRCh38, chr22:42,211,060, plus strand): 5'-CTTCTGAAGACCTTGGAAGAGGTTTCTCTACGTGCAACTCCTGGTTTGCTGGACTGACTA[G>C]GTCCGAAGCCACCTCACCTTTTCTCTTCTCTATGTCAGCATCCTGAACAGCAACACTCCC-3'
Protein context (NP_001365347.1, residues 1406-1426): EKRKGEVASD[Leu1416Val]VSPANQELHV